The following is an entry in ClinVar:

NM_022765.4(MICAL1):c.1087G>A (p.Ala363Thr)

Gene: MICAL1 (microtubule associated monooxygenase, calponin and LIM domain containing 1; minus strand). Cytogenetic location: 6q21.
Variant type: single nucleotide variant.
Coding change: c.1087G>A on transcript NM_022765.4 (MANE Select); coding-DNA position 1087, G replaced by A.
Protein change: p.Ala363Thr; replaces alanine 363 with threonine.
Molecular consequence: missense variant. On other transcripts: intron variant (1).
Genome position (GRCh38, 1-based): chr6:109,450,404, C>T on the plus strand (G>A on the coding strand, the complement: MICAL1 is on the minus strand). VCF-style: chr6-109450404-C-T. GRCh37 (hg19) VCF-style: chr6-109771607-C-T.
Other names: c.1144G>A, p.Ala382Thr (NM_001286613.2); c.934-319G>A (NM_001159291.2); short protein forms A382T, A363T.
Identifiers: ClinVar variation 2720120 (VCV002720120.3), dbSNP rs2482800674, ClinGen allele CA365231212.

ClinVar aggregate classification (germline): Uncertain significance (1 of 4 stars; one submission).

Allele frequency attached by ClinVar (database versions not stated): gnomAD exomes below 0.00001.
gnomAD v4.1: 1 of 1,613,600 alleles (0.000062%); highest among the groups gnomAD compares: Non-Finnish European, 0.000085%; no homozygotes.

Submission:

Labcorp Genetics (formerly Invitae), Labcorp
Classification: Uncertain significance. Last evaluated: 2023-06-20. Review status: criteria provided, single submitter. Criteria: Invitae Variant Classification Sherloc (09022015). Collection method: clinical testing. Allele origin: germline.
Comment: This sequence change replaces alanine, which is neutral and non-polar, with threonine, which is neutral and polar, at codon 382 of the MICAL1 protein (p.Ala382Thr). This variant is not present in population databases (gnomAD no frequency). This variant has not been reported in the literature in individuals affected with MICAL1-related conditions. An algorithm developed to predict the effect of missense changes on protein structure and function (PolyPhen-2) suggests that this variant is likely to be tolerated. In summary, the available evidence is currently insufficient to determine the role of this variant in disease. Therefore, it has been classified as a Variant of Uncertain Significance.